The following is an entry in ClinVar:

ClinVar aggregate classification (germline): Uncertain significance (1 of 4 stars; one submission).

gnomAD v4.1: 8 of 1,537,030 alleles (0.00052%); highest among the groups gnomAD compares: South Asian, 0.0059%; no homozygotes.

Submission:

Labcorp Genetics (formerly Invitae), Labcorp
Classification: Uncertain significance. Last evaluated: 2025-04-18. Review status: criteria provided, single submitter. Criteria: Invitae Variant Classification Sherloc (09022015). Collection method: clinical testing. Allele origin: germline.
Comment: This sequence change replaces threonine, which is neutral and polar, with methionine, which is neutral and non-polar, at codon 262 of the PIEZO2 protein (p.Thr262Met). This variant is present in population databases (rs546609706, gnomAD 0.01%). This variant has not been reported in the literature in individuals affected with PIEZO2-related conditions. Invitae Evidence Modeling of protein sequence and biophysical properties (such as structural, functional, and spatial information, amino acid conservation, physicochemical variation, residue mobility, and thermodynamic stability) indicates that this missense variant is expected to disrupt PIEZO2 protein function with a positive predictive value of 80%. In summary, the available evidence is currently insufficient to determine the role of this variant in disease. Therefore, it has been classified as a Variant of Uncertain Significance.

NM_001378183.1(PIEZO2):c.785C>T (p.Thr262Met)

Gene: PIEZO2 (piezo type mechanosensitive ion channel component 2; minus strand). Cytogenetic location: 18p11.22.
Variant type: single nucleotide variant.
Coding change: c.785C>T on transcript NM_001378183.1 (MANE Select); coding-DNA position 785, C replaced by T.
Protein change: p.Thr262Met; replaces threonine 262 with methionine.
Molecular consequence: missense variant.
Genome position (GRCh38, 1-based): chr18:10,855,485, G>A on the plus strand (C>T on the coding strand, the complement: PIEZO2 is on the minus strand). VCF-style: chr18-10855485-G-A. GRCh37 (hg19) VCF-style: chr18-10855483-G-A.
Other names: c.785C>T, p.Thr262Met (NM_001410871.1, NM_022068.4); short protein forms T262M.
Identifiers: ClinVar variation 4704330 (VCV004704330.1).